The following is an entry in ClinVar:

ClinVar aggregate classification (germline): Uncertain significance (1 of 4 stars; one submission).

Conditions:
Parenti-mignot neurodevelopmental syndrome. Identifiers: MedGen C5676984, MONDO:0859249, OMIM 619873.

Submission:

OLLIN Analises Genomicas, OLLIN
Classification: Uncertain significance for Parenti-mignot neurodevelopmental syndrome. Last evaluated: 2026-02-13. Review status: criteria provided, single submitter. Criteria: ACMG Guidelines 2015 PMID 25741868. Collection method: clinical testing. Allele origin: germline. Observed: 1 variant allele.
Comment: PM1_P, PM2_P, PP2, PP3_M

NM_015557.3(CHD5):c.482A>T (p.Tyr161Phe)

Gene: CHD5 (chromodomain helicase DNA binding protein 5; minus strand). Cytogenetic location: 1p36.31.
Variant type: single nucleotide variant.
Coding change: c.482A>T on transcript NM_015557.3 (MANE Select); coding-DNA position 482, A replaced by T.
Protein change: p.Tyr161Phe; replaces tyrosine 161 with phenylalanine.
Molecular consequence: missense variant.
Genome position (GRCh38, 1-based): chr1:6,155,623, T>A on the plus strand (A>T on the coding strand, the complement: CHD5 is on the minus strand). VCF-style: chr1-6155623-T-A. GRCh37 (hg19) VCF-style: chr1-6215683-T-A.
Other names: short protein forms Y161F.
Identifiers: ClinVar variation 4814072 (VCV004814072.1).
Genomic context (GRCh38, chr1:6,155,623, plus strand): 5'-TGCGGGCCTGGAGAACAGCCCTAGTGCCCCGCCCACCTGAGGAACTGGCTGAAGGCCTTG[T>A]AGTTGGTCAGCGTGTGGTAATCCTCCTCCGAGAACAGGTAGTCCACGTCGTCCAGGCCCC-3'
Protein context (NP_056372.1, residues 151-171): SEEDYHTLTN[Tyr161Phe]KAFSQFLRPL